The following is an entry in ClinVar:

NM_001267550.2(TTN):c.99901G>A (p.Glu33301Lys)

Genes: TTN (titin; minus strand), TTN-AS1 (TTN antisense RNA 1; plus strand), LOC126806420 (BRD4-independent group 4 enhancer GRCh37_chr2:179401104-179402303; plus strand). Cytogenetic location: 2q31.2.
Variant type: single nucleotide variant.
Coding change: c.99901G>A on transcript NM_001267550.2 (MANE Select); coding-DNA position 99901, G replaced by A.
Protein change: p.Glu33301Lys; replaces glutamic acid 33301 with lysine.
Molecular consequence: missense variant.
Genome position (GRCh38, 1-based): chr2:178,537,208, C>T on the plus strand (G>A on the coding strand, the complement: TTN is on the minus strand). VCF-style: chr2-178537208-C-T. GRCh37 (hg19) VCF-style: chr2-179401935-C-T.
Other names: p.E31660K:GAA>AAA; p.Glu31660Lys; c.94978G>A, p.Glu31660Lys (NM_001256850.1); c.72706G>A, p.Glu24236Lys (NM_003319.4); c.92197G>A, p.Glu30733Lys (NM_133378.4); c.73081G>A, p.Glu24361Lys (NM_133432.3); c.73282G>A, p.Glu24428Lys (NM_133437.4); c.99901G>A (NM_001267550.1); short protein forms E33301K, E30733K, E31660K, E24236K, E24361K, E24428K.
Identifiers: ClinVar variation 47621 (VCV000047621.51), dbSNP rs72648278, ClinGen allele CA141530.
Genomic context (GRCh38, chr2:178,537,208, plus strand): 5'-AGCCTCCGTCATCTGCGGGTGGTTTCCAGCTGATCACTGCGGAGTTCTTCAATAGAGCTT[C>T]GATCACAATTGGTCCTGTAGGTTTGTCTGGTTTATCTGTTGGGGGAAAATACAATTGTGG-3'
Protein context (NP_001254479.2, residues 33291-33311): PDKPTGPIVI[Glu33301Lys]ALLKNSAVIS

ClinVar aggregate classification (germline): Conflicting classifications of pathogenicity. Review status: criteria provided, conflicting classifications (1 of 4 stars). 19 submissions from 15 submitters: Uncertain significance (9); Benign (4); Likely benign (6). Last evaluated 2025-07-18.

Conditions:
TTN-related disorder. Also called: TTN-related condition; TTN-related disease; TTN-related disorders.
Cardiovascular phenotype. Identifiers: MedGen CN230736.
Autosomal recessive limb-girdle muscular dystrophy type 2J (LGMDR10). Also called: Limb-girdle muscular dystrophy, type 2J; MUSCULAR DYSTROPHY, LIMB-GIRDLE, AUTOSOMAL RECESSIVE 10. Identifiers: Orphanet 140922, MedGen C1837342, MONDO:0012127, OMIM 608807.
Dilated cardiomyopathy 1G (CMD1G). Identifiers: Orphanet 154, MedGen C1858763, MONDO:0011400, OMIM 604145.
Cardiomyopathy (CMYO). Also called: Cardiomyopathies. Identifiers: Orphanet 167848, MedGen C0878544, MONDO:0004994, HP:0001638. Inheritance: Various modes of inheritance.
Early-onset myopathy with fatal cardiomyopathy (CMYO5). Also called: Salih Myopathy; CONGENITAL MYOPATHY 5 WITH CARDIOMYOPATHY. Identifiers: Orphanet 289377, MedGen C2673677, MONDO:0012714, OMIM 611705. Disease mechanism: loss of function.
Myopathy, myofibrillar, 9, with early respiratory failure (MFM9). Also called: Hereditary myopathy with early respiratory failure; EDSTROM MYOPATHY; MYOPATHY, PROXIMAL, WITH EARLY RESPIRATORY MUSCLE INVOLVEMENT; Myopathy, distal, with early respiratory failure, autosomal dominant. Identifiers: Orphanet 178464, Orphanet 34521, MedGen C1863599, MONDO:0011362, OMIM 603689.
Tibial muscular dystrophy (TMD). Also called: Tibial muscular dystrophy, tardive; UDD MYOPATHY; Udd Distal Myopathy – Tibial Muscular Dystrophy. Identifiers: Orphanet 609, MedGen C1838244, MONDO:0010870, OMIM 600334.
Hypertrophic cardiomyopathy. Also called: HYPERTROPHIC MYOCARDIOPATHY. Identifiers: Orphanet 217569, MedGen C0007194, MeSH D002312, MONDO:0005045, HP:0001639.

Allele frequency attached by ClinVar (database versions not stated): gnomAD exomes 0.00030 and 0.00056; ExAC 0.00032; TOPMed 0.00036; gnomAD 0.00038 and 0.00041; ESP Exome Variant Server 0.00042.
gnomAD v4.1: 868 of 1,610,328 alleles (0.054%); highest among the groups gnomAD compares: Non-Finnish European, 0.069%; no homozygotes.

Submissions (19):

Athena Diagnostics
Classification: Uncertain significance. Last evaluated: 2025-07-18. Review status: criteria provided, single submitter. Criteria: Athena Diagnostics Criteria. Collection method: clinical testing. Allele origin: unknown.
Comment: Available data are insufficient to determine the clinical significance of the variant at this time. The frequency of this variant in the general population is higher than would generally be expected for pathogenic variants in this gene. Polyphen and MutationTaster yielded discordant predictions regarding whether this amino acid change is damaging to the protein.

Women's Health and Genetics/Laboratory Corporation of America, LabCorp
Classification: Likely benign. Last evaluated: 2025-03-28. Review status: criteria provided, single submitter. Criteria: LabCorp Variant Classification Summary - May 2015. Collection method: clinical testing. Allele origin: germline.
Comment: Variant summary: TTN c.92197G>A (p.Glu30733Lys) results in a conservative amino acid change located in the A-band of the encoded protein sequence. Two of four in-silico tools predict a benign effect of the variant on protein function. The variant allele was found at a frequency of 0.00054 in 1603348 control chromosomes, predominantly at a frequency of 0.00069 within the Non-Finnish European subpopulation in the gnomAD database (v4.1 dataset). The observed variant frequency within Non-Finnish European control individuals in the gnomAD database is approximately 1.77-fold of the estimated maximal expected allele frequency for a pathogenic variant in TTN causing Dilated Cardiomyopathy phenotype (0.00039), suggesting that the variant is a benign polymorphism. The variant, c.92197G>A, has been reported in the literature in individuals affected with Dilated Cardiomyopathy and Hypertrophic Cardiomyopathy (Lopes_2013, Franaszczyk_2017). These report(s) do not provide unequivocal conclusions about association of the variant with Dilated Cardiomyopathy. To our knowledge, no experimental evidence demonstrating an impact on protein function has been reported. The following publications have been ascertained in the context of this evaluation (PMID: 23396983, 28045975). ClinVar contains an entry for this variant (Variation ID: 47621). Based on the evidence outlined above, the variant was classified as likely benign.

PreventionGenetics, part of Exact Sciences
Classification: Benign for TTN-related condition. Last evaluated: 2025-03-12. Review status: criteria provided, single submitter. Criteria: ACMG Guidelines, 2015. Collection method: clinical testing. Allele origin: germline.
Comment: This variant is classified as benign based on ACMG/AMP sequence variant interpretation guidelines (Richards et al. 2015 PMID: 25741868, with internal and published modifications).

Mayo Clinic Laboratories, Mayo Clinic
Classification: Likely benign. Last evaluated: 2025-02-07. Review status: criteria provided, single submitter. Criteria: ACMG Guidelines, 2015. Collection method: clinical testing. Allele origin: germline. Observed: 3 variant alleles.
Comment: BS1, BP4

Blueprint Genetics
Classification: Likely benign. Last evaluated: 2024-11-01. Review status: criteria provided, single submitter. Criteria: ACMG Guidelines, 2015. Collection method: clinical testing. Allele origin: germline.

CHEO Genetics Diagnostic Laboratory, Children's Hospital of Eastern Ontario
Classification: Benign for Cardiomyopathy. Last evaluated: 2022-08-12. Review status: criteria provided, single submitter. Criteria: ACMG Guidelines, 2015. Collection method: clinical testing. Allele origin: germline.

Revvity Omics, Revvity
Classification: Uncertain significance. Last evaluated: 2022-06-21. Review status: criteria provided, single submitter. Criteria: ACMG Guidelines, 2015. Collection method: clinical testing. Allele origin: germline.

Laboratory for Molecular Medicine, Mass General Brigham Personalized Medicine
Classification: Likely benign. Last evaluated: 2021-04-23. Review status: criteria provided, single submitter. Criteria: ACMG Guidelines, 2015. Collection method: clinical testing. Allele origin: germline.
Comment: The p.Glu30733Lys variant in TTN is classified as likely benign because it has been identified in 0.06% (76/127160) of European chromosomes by gnomAD. Additionally, this variant has been identified in at least 1 individual that harbored other disease-causing variants in other cardiomyopathy associated genes (LMM data). ACMG/AMP Criteria applied: BS1, BP5.

GeneDx
Classification: Likely benign. Last evaluated: 2020-12-18. Review status: criteria provided, single submitter. Criteria: GeneDx Variant Classification Process June 2021. Collection method: clinical testing. Allele origin: germline. Affected: yes.
Comment: This variant is associated with the following publications: (PMID: 23396983, 28045975)

ARUP Laboratories, Molecular Genetics and Genomics, ARUP Laboratories
Classification: Uncertain significance. Last evaluated: 2020-03-09. Review status: criteria provided, single submitter. Criteria: ARUP Molecular Germline Variant Investigation Process. Collection method: clinical testing. Allele origin: germline.
Comment: The TTN c.99901G>A; p.Glu33301Lys variant (rs72648278; ClinVar Variation ID: 47621) is reported in the literature in several individuals affected with HCM or DCM, though it was not demonstrated to cause disease (Franaszczyk 2017, Lopes 2013). This suggests these three variants may occur in cis, although parental testing would be required to confirm this. This variant is rare in the population (<1% allele frequency in the Genome Aggregation Database) and the clinical relevance of rare missense variants in the TTN gene, which are identified on average once per individual sequenced in affected populations (Herman 2012), is not well understood. Yet, evidence suggests that the vast majority of such missense variants do not contribute to the clinical outcome of DCM (Begay 2015). Thus, the clinical significance of the p.Glu33301Lys variant cannot be determined with certainty. References: Begay RL et al. Role of Titin Missense Variants in Dilated Cardiomyopathy. J Am Heart Assoc. 2015 Nov 13;4(11). Franaszczyk M et al. Titin Truncating Variants in Dilated Cardiomyopathy - Prevalence and Genotype-Phenotype Correlations. PLoS One. 2017 Jan 3;12(1):e0169007. Herman DS et al. Truncations of titin causing dilated cardiomyopathy. N Engl J Med. 2012 Feb 16;366(7):619-28. Lopes LR et al. Genetic complexity in hypertrophic cardiomyopathy revealed by high-throughput sequencing. J Med Genet. 2013 Apr;50(4):228-39. Linke WA and Hamdani N. Gigantic business: titin properties and function through thick and thin. Circ Res 2014; 114(6): 1052-1068.

Ambry Genetics
Classification: Likely benign for Cardiovascular phenotype. Last evaluated: 2020-02-11. Review status: criteria provided, single submitter. Criteria: Ambry Variant Classification Scheme 2023. Collection method: clinical testing. Allele origin: germline.

Center for Advanced Laboratory Medicine, UC San Diego Health, University of California San Diego
Classification: Uncertain significance for Hypertrophic cardiomyopathy. Last evaluated: 2018-08-22. Review status: criteria provided, single submitter. Criteria: ACMG Guidelines, 2015. Collection method: clinical testing. Allele origin: germline. Affected: yes. Observed: 1 variant allele.

Illumina Laboratory Services, Illumina
Classification: Uncertain significance for Early-onset myopathy with fatal cardiomyopathy. Last evaluated: 2018-01-13. Review status: criteria provided, single submitter. Criteria: ICSL Variant Classification Criteria 13 December 2019. Collection method: clinical testing. Allele origin: germline.

Illumina Laboratory Services, Illumina
Classification: Benign for Tibial muscular dystrophy. Last evaluated: 2018-01-13. Review status: criteria provided, single submitter. Criteria: ICSL Variant Classification Criteria 13 December 2019. Collection method: clinical testing. Allele origin: germline.
Comment: This variant was observed in the ICSL laboratory as part of a predisposition screen in an ostensibly healthy population. It had not been previously curated by ICSL or reported in the Human Gene Mutation Database (HGMD: prior to June 1st, 2018), and was therefore a candidate for classification through an automated scoring system. Utilizing variant allele frequency, disease prevalence and penetrance estimates, and inheritance mode, an automated score was calculated to assess if this variant is too frequent to cause the disease. Based on the score and internal cut-off values, a variant classified as benign is not then subjected to further curation. The score for this variant resulted in a classification of benign for this disease.

Illumina Laboratory Services, Illumina
Classification: Uncertain significance for Dilated cardiomyopathy 1G. Last evaluated: 2018-01-13. Review status: criteria provided, single submitter. Criteria: ICSL Variant Classification Criteria 13 December 2019. Collection method: clinical testing. Allele origin: germline.

Illumina Laboratory Services, Illumina
Classification: Benign for Myopathy, myofibrillar, 9, with early respiratory failure. Last evaluated: 2018-01-13. Review status: criteria provided, single submitter. Criteria: ICSL Variant Classification Criteria 13 December 2019. Collection method: clinical testing. Allele origin: germline.
Comment: the same text as in the submission from Illumina Laboratory Services, Illumina above.

Illumina Laboratory Services, Illumina
Classification: Uncertain significance for Autosomal recessive limb-girdle muscular dystrophy type 2J. Last evaluated: 2018-01-13. Review status: criteria provided, single submitter. Criteria: ICSL Variant Classification Criteria 13 December 2019. Collection method: clinical testing. Allele origin: germline.

Labcorp Genetics (formerly Invitae), Labcorp
Classification: Uncertain significance for Dilated cardiomyopathy 1G; Autosomal recessive limb-girdle muscular dystrophy type 2J. Last evaluated: 2017-12-21. Review status: criteria provided, single submitter. Criteria: Invitae Variant Classification Sherloc (09022015). Collection method: clinical testing. Allele origin: germline.

Eurofins Ntd Llc (ga)
Classification: Uncertain significance. Last evaluated: 2015-10-13. Review status: criteria provided, single submitter. Criteria: EGL Classification Definitions 2015. Collection method: clinical testing. Allele origin: germline. Observed: 4 variant alleles, 4 heterozygotes.

Literature cited by the submitters: PubMed 23396983 (cited by 4 submitters); PubMed 28045975 (cited by 4 submitters).